The following is an entry in ClinVar:

NM_000095.3(COMP):c.2222G>A (p.Cys741Tyr)

Gene: COMP (cartilage oligomeric matrix protein; minus strand). Cytogenetic location: 19p13.11.
Variant type: single nucleotide variant.
Coding change: c.2222G>A on transcript NM_000095.3 (MANE Select); coding-DNA position 2222, G replaced by A.
Protein change: p.Cys741Tyr; replaces cysteine 741 with tyrosine.
Molecular consequence: missense variant.
Genome position (GRCh38, 1-based): chr19:18,783,059, C>T on the plus strand (G>A on the coding strand, the complement: COMP is on the minus strand). VCF-style: chr19-18783059-C-T. GRCh37 (hg19) VCF-style: chr19-18893869-C-T.
Other names: short protein forms C741Y.
Identifiers: ClinVar variation 3718842 (VCV003718842.2).

ClinVar aggregate classification (germline): Uncertain significance (1 of 4 stars; one submission).

gnomAD v4.1: 3 of 1,612,320 alleles (0.00019%); highest among the groups gnomAD compares: Admixed American, 0.0017%; no homozygotes.

Submission:

Labcorp Genetics (formerly Invitae), Labcorp
Classification: Uncertain significance. Last evaluated: 2024-07-08. Review status: criteria provided, single submitter. Criteria: Invitae Variant Classification Sherloc (09022015). Collection method: clinical testing. Allele origin: germline.
Comment: This sequence change replaces cysteine, which is neutral and slightly polar, with tyrosine, which is neutral and polar, at codon 741 of the COMP protein (p.Cys741Tyr). This variant is present in population databases (no rsID available, gnomAD 0.003%). This variant has not been reported in the literature in individuals affected with COMP-related conditions. Advanced modeling of protein sequence and biophysical properties (such as structural, functional, and spatial information, amino acid conservation, physicochemical variation, residue mobility, and thermodynamic stability) performed at Invitae indicates that this missense variant is expected to disrupt COMP protein function with a positive predictive value of 80%. In summary, the available evidence is currently insufficient to determine the role of this variant in disease. Therefore, it has been classified as a Variant of Uncertain Significance.